The following is an entry in ClinVar:

ClinVar aggregate classification (germline): Uncertain significance. Review status: criteria provided, multiple submitters, no conflicts (2 of 4 stars). 3 submissions from 3 submitters: Uncertain significance (3). Last evaluated 2026-02-24.

Allele frequency attached by ClinVar (database versions not stated): gnomAD exomes 0.00001; TOPMed 0.00002.
gnomAD v4.1: 4 of 1,613,952 alleles (0.00025%); highest among the groups gnomAD compares: East Asian, 0.0089%; no homozygotes.

Submissions (3):

Women's Health and Genetics/Laboratory Corporation of America, LabCorp
Classification: Uncertain significance. Last evaluated: 2026-02-24. Review status: criteria provided, single submitter. Criteria: LabCorp Variant Classification Summary - May 2015. Collection method: clinical testing. Allele origin: germline.
Comment: Variant summary: USH2A c.14218G>A (p.Ala4740Thr) results in a non-conservative amino acid change in the encoded protein sequence. Algorithms developed to predict the effect of missense changes on protein structure and function are either unavailable or do not agree on the potential impact of this missense change. The variant allele was found at a frequency of 8e-06 in 251320 control chromosomes (gnomAD). The available data on variant occurrences in the general population are insufficient to allow any conclusion about variant significance. c.14218G>A has been observed in an individual affected with hearing loss without a second USH2A variant found and a co-occurring PEX6 variant (Han_2019) and an individual affected with retinitis pigmentosa who had a pathogenic variant in trans (Yeo_2025). These data do not allow any conclusion about variant significance. To our knowledge, no experimental evidence demonstrating an impact on protein function has been reported. The following publications have been ascertained in the context of this evaluation (PMID: 30733538, 39932467). ClinVar contains an entry for this variant (Variation ID: 2168362). Based on the evidence outlined above, the variant was classified as uncertain significance.

Labcorp Genetics (formerly Invitae), Labcorp
Classification: Uncertain significance. Last evaluated: 2022-03-26. Review status: criteria provided, single submitter. Criteria: Invitae Variant Classification Sherloc (09022015). Collection method: clinical testing. Allele origin: germline.
Comment: This sequence change replaces alanine, which is neutral and non-polar, with threonine, which is neutral and polar, at codon 4740 of the USH2A protein (p.Ala4740Thr). This variant is present in population databases (no rsID available, gnomAD 0.01%). This missense change has been observed in individual(s) with clinical features of USH2A-related conditions (PMID: 30733538). Algorithms developed to predict the effect of missense changes on protein structure and function are either unavailable or do not agree on the potential impact of this missense change (SIFT: "Deleterious"; PolyPhen-2: "Possibly Damaging"; Align-GVGD: "Class C0"). This variant disrupts the p.Ala4740 amino acid residue in USH2A. Other variant(s) that disrupt this residue have been determined to be pathogenic (PMID: 22952768, 25649381, 28559085, 30718709, 33576794). This suggests that this residue is clinically significant, and that variants that disrupt this residue are likely to be disease-causing. In summary, the available evidence is currently insufficient to determine the role of this variant in disease. Therefore, it has been classified as a Variant of Uncertain Significance.

Blueprint Genetics
Classification: Uncertain significance. Last evaluated: 2017-11-23. Review status: criteria provided, single submitter. Criteria: ACMG Guidelines, 2015. Collection method: clinical testing. Allele origin: germline.

Literature cited by the submitters: PubMed 30733538 (cited by Women's Health and Genetics/Laboratory Corporation of America, LabCorp and Labcorp Genetics (formerly Invitae), Labcorp); PubMed 39932467 (cited by Women's Health and Genetics/Laboratory Corporation of America, LabCorp); PubMed 22952768 (cited by Labcorp Genetics (formerly Invitae), Labcorp); PubMed 25649381 (cited by Labcorp Genetics (formerly Invitae), Labcorp); PubMed 28559085 (cited by Labcorp Genetics (formerly Invitae), Labcorp); PubMed 30718709 (cited by Labcorp Genetics (formerly Invitae), Labcorp); PubMed 33576794 (cited by Labcorp Genetics (formerly Invitae), Labcorp).

NM_206933.4(USH2A):c.14218G>A (p.Ala4740Thr)

Gene: USH2A (usherin; minus strand). Cytogenetic location: 1q41.
Variant type: single nucleotide variant.
Coding change: c.14218G>A on transcript NM_206933.4 (MANE Select); coding-DNA position 14218, G replaced by A.
Protein change: p.Ala4740Thr; replaces alanine 4740 with threonine.
Molecular consequence: missense variant.
Genome position (GRCh38, 1-based): chr1:215,650,717, C>T on the plus strand (G>A on the coding strand, the complement: USH2A is on the minus strand). VCF-style: chr1-215650717-C-T. GRCh37 (hg19) VCF-style: chr1-215824059-C-T.
Other names: short protein forms A4740T.
Identifiers: ClinVar variation 2168362 (VCV002168362.3), dbSNP rs1406578236, ClinGen allele CA344835651.